The following is an entry in ClinVar:

ClinVar aggregate classification (germline): Benign. Review status: criteria provided, multiple submitters, no conflicts (2 of 4 stars). 2 submissions from 2 submitters: Benign (2). Last evaluated 2018-06-16.

Allele frequency attached by ClinVar (database versions not stated): 1000 Genomes Project 30x 0.70846; TOPMed 0.71320; 1000 Genomes Project 0.71605; gnomAD 0.72069 and 0.72649; gnomAD exomes 0.81060.
gnomAD v4.1: 507,765 of 642,990 alleles (79%); highest among the groups gnomAD compares: Admixed American, 84%; 203,751 homozygotes.

Submissions (2):

GeneDx
Classification: Benign. Last evaluated: 2018-06-16. Review status: criteria provided, single submitter. Criteria: GeneDx Variant Classification (06012015). Collection method: clinical testing. Allele origin: germline. Affected: yes.
Comment: This variant is considered likely benign or benign based on one or more of the following criteria: it is a conservative change, it occurs at a poorly conserved position in the protein, it is predicted to be benign by multiple in silico algorithms, and/or has population frequency not consistent with disease.

Breakthrough Genomics
Classification: Benign. Review status: criteria provided, single submitter. Criteria: ACMG Guidelines, 2015. Collection method: not provided. Allele origin: germline. Inheritance: Autosomal recessive inheritance. Affected: yes.

NM_024596.5(MCPH1):c.234-141A>T

Gene: MCPH1 (microcephalin 1; plus strand). Cytogenetic location: 8p23.1.
Variant type: single nucleotide variant.
Coding change: c.234-141A>T on transcript NM_024596.5 (MANE Select); 141 bases into the intron before coding-DNA position 234, A replaced by T.
Molecular consequence: intron variant.
Genome position (GRCh38, 1-based): chr8:6,431,358, A>T. VCF-style: chr8-6431358-A-T. GRCh37 (hg19) VCF-style: chr8-6288879-A-T.
Other names: c.234-141A>T (NM_001322042.2, NM_001363980.2, NM_001363979.1 and 2 more transcripts); c.228-141A>T (NM_001322043.2); c.132-141A>T (NM_001322045.2).
Identifiers: ClinVar variation 673930 (VCV000673930.2), dbSNP rs2251956, ClinGen allele CA171394491.